The following is an entry in ClinVar:

NM_001365276.2(TNXB):c.11150C>T (p.Ser3717Leu)

Genes: TNXB (tenascin XB; minus strand), LOC106780803 (tenascin XB recombination region; plus strand). Cytogenetic location: 6p21.33.
Variant type: single nucleotide variant.
Coding change: c.11150C>T on transcript NM_001365276.2 (MANE Select); coding-DNA position 11150, C replaced by T.
Protein change: p.Ser3717Leu; replaces serine 3717 with leucine.
Molecular consequence: missense variant.
Genome position (GRCh38, 1-based): chr6:32,044,494, G>A on the plus strand (C>T on the coding strand, the complement: TNXB is on the minus strand). VCF-style: chr6-32044494-G-A. GRCh37 (hg19) VCF-style: chr6-32012271-G-A.
Other names: p.Ser3715Leu; c.11891C>T, p.Ser3964Leu (NM_001428335.1); c.11144C>T, p.Ser3715Leu (NM_019105.8); c.437C>T, p.Ser146Leu (NM_032470.4); short protein forms S3964L, S146L, S3715L, S3717L.
Identifiers: ClinVar variation 4541128 (VCV004541128.1).
Genomic context (GRCh38, chr6:32,044,494, plus strand): 5'-CGCAGCCCATACAGTGTCAGGCTGTACAGAGTCCCGGAACGCAGGTCCCGGAGCACGGCC[G>A]AGTGCCGCGTCCCCGGCACCATCAGCTCGCGCTGCAGCAGTGGACGCGGATGCGGCTCCA-3'
Protein context (NP_001352205.1, residues 3707-3727): RELMVPGTRH[Ser3717Leu]AVLRDLRSGT

ClinVar aggregate classification (germline): Uncertain significance (1 of 4 stars; one submission).

Submission:

Mayo Clinic Laboratories, Mayo Clinic
Classification: Uncertain significance. Last evaluated: 2025-03-28. Review status: criteria provided, single submitter. Criteria: ACMG Guidelines, 2015. Collection method: clinical testing. Allele origin: germline. Observed: 1 variant allele.
Comment: BP4